The following is an entry in ClinVar:

ClinVar aggregate classification (germline): Conflicting classifications of pathogenicity. Review status: criteria provided, conflicting classifications (1 of 4 stars). 3 submissions from 3 submitters: Uncertain significance (2); Likely benign (1). Last evaluated 2025-03-24.

Conditions:
Lethal multiple pterygium syndrome (LMPS). Identifiers: Orphanet 33108, MedGen C1854678, MONDO:0009668, OMIM 253290.

Allele frequency attached by ClinVar (database versions not stated): gnomAD 0.00001; TOPMed 0.00001; gnomAD exomes 0.00007; ESP Exome Variant Server 0.00008; ExAC 0.00013; 1000 Genomes Project 0.00020; 1000 Genomes Project 30x 0.00031.

Submissions (3):

Labcorp Genetics (formerly Invitae), Labcorp
Classification: Likely benign for Lethal multiple pterygium syndrome. Last evaluated: 2025-03-24. Review status: criteria provided, single submitter. Criteria: Invitae Variant Classification Sherloc (09022015). Collection method: clinical testing. Allele origin: germline.

Revvity Omics, Revvity
Classification: Uncertain significance. Last evaluated: 2024-12-10. Review status: criteria provided, single submitter. Criteria: ACMG Guidelines, 2015. Collection method: clinical testing. Allele origin: germline.

GeneDx
Classification: Uncertain significance. Last evaluated: 2023-12-07. Review status: criteria provided, single submitter. Criteria: GeneDx Variant Classification Process June 2021. Collection method: clinical testing. Allele origin: germline. Affected: yes.
Comment: Reported in a patient with limb-girdle weakness and generalized muscle atrophy; however this individual also harbored additional variants in genes potentially related to the phenotype (PMID: 29970176); In silico analysis supports that this missense variant does not alter protein structure/function; This variant is associated with the following publications: (PMID: 29970176)

NM_000751.3(CHRND):c.70G>A (p.Glu24Lys)

Gene: CHRND (cholinergic receptor nicotinic delta subunit; plus strand). Cytogenetic location: 2q37.1.
Variant type: single nucleotide variant.
Coding change: c.70G>A on transcript NM_000751.3 (MANE Select); coding-DNA position 70, G replaced by A.
Protein change: p.Glu24Lys; replaces glutamic acid 24 with lysine.
Molecular consequence: missense variant. On other transcripts: 5 prime UTR variant (2).
Genome position (GRCh38, 1-based): chr2:232,526,546, G>A. VCF-style: chr2-232526546-G-A. GRCh37 (hg19) VCF-style: chr2-233391256-G-A.
Other names: c.70G>A, p.Glu24Lys (NM_001256657.2); c.-202G>A (NM_001311195.2, NM_001311196.2); c.70G>A (NM_000751.2); short protein forms E24K.
Identifiers: ClinVar variation 1532646 (VCV001532646.10), dbSNP rs144310284, ClinGen allele CA2167891.
Genomic context (GRCh38, chr2:232,526,546, plus strand): 5'-CTGCCCAGGGCCCCATTCAGTCCTTGTCGCTGACCCTCCCCAGGCAGCTGGGGGCTGAAC[G>A]AGGAGGAGCGGCTGATCCGGCACCTGTTTCAAGAGAAGGGCTACAACAAGGAGCTCCGGC-3'
Protein context (NP_000742.1, residues 14-34): LAVCGSWGLN[Glu24Lys]EERLIRHLFQ